The following is an entry in ClinVar:

ClinVar aggregate classification (germline): Conflicting classifications of pathogenicity. Review status: criteria provided, conflicting classifications (1 of 4 stars). 3 submissions from 3 submitters: Uncertain significance (1); Likely benign (1). 1 of the submissions does not count toward it. Last evaluated 2024-05-17.

Conditions:
Polycystic kidney disease, adult type (PKD1). Also called: Polycystic Kidney, Autosomal Dominant; POLYCYSTIC KIDNEY DISEASE 1 WITH OR WITHOUT POLYCYSTIC LIVER DISEASE; POLYCYSTIC KIDNEY DISEASE, ADULT, TYPE I; Polycystic Kidney Disease 1, Autosomal Dominant; Polycystic kidney disease 1; Polycystic kidney disease 1, severe. Identifiers: MedGen C3149841, MONDO:0008263, OMIM 173900.

Allele frequency attached by ClinVar (database versions not stated): TOPMed 0.00002; gnomAD exomes 0.00003.
gnomAD v4.1: 59 of 1,570,070 alleles (0.0038%); highest among the groups gnomAD compares: Non-Finnish European, 0.0047%; no homozygotes.

Submissions (3):

Fulgent Genetics
Classification: Likely benign for Polycystic kidney disease, adult type. Last evaluated: 2024-05-17. Review status: criteria provided, single submitter. Criteria: ACMG Guidelines, 2015. Collection method: clinical testing. Allele origin: germline.

GeneDx
Classification: Uncertain significance. Last evaluated: 2021-01-04. Review status: criteria provided, single submitter. Criteria: GeneDx Variant Classification Process June 2021. Collection method: clinical testing. Allele origin: germline. Affected: yes.
Comment: In silico analysis supports that this missense variant does not alter protein structure/function; Has not been previously published as pathogenic or benign to our knowledge

Bioscientia Institut fuer Medizinische Diagnostik GmbH, Sonic Healthcare
Classification: Uncertain significance for Polycystic kidney disease, adult type. Last evaluated: 2017-04-20. Review status: no assertion criteria provided. Collection method: clinical testing. Allele origin: germline. Affected: yes. Not counted in ClinVar's aggregate classification.

NM_001009944.3(PKD1):c.9970G>A (p.Ala3324Thr)

Gene: PKD1 (polycystin 1, transient receptor potential channel interacting; minus strand). Cytogenetic location: 16p13.3.
Variant type: single nucleotide variant.
Coding change: c.9970G>A on transcript NM_001009944.3 (MANE Select); coding-DNA position 9970, G replaced by A.
Protein change: p.Ala3324Thr; replaces alanine 3324 with threonine.
Molecular consequence: missense variant.
Genome position (GRCh38, 1-based): chr16:2,099,724, C>T on the plus strand (G>A on the coding strand, the complement: PKD1 is on the minus strand). VCF-style: chr16-2099724-C-T. GRCh37 (hg19) VCF-style: chr16-2149725-C-T.
Other names: c.9970G>A, p.Ala3324Thr (NM_000296.4); short protein forms A3324T.
Identifiers: ClinVar variation 438720 (VCV000438720.6), dbSNP rs1422578175, ClinGen allele CA394352313.